The following is an entry in ClinVar:

NM_020821.3(VPS13C):c.10338+4T>C

Gene: VPS13C (vacuolar protein sorting 13 homolog C; minus strand). Cytogenetic location: 15q22.2.
Variant type: single nucleotide variant.
Coding change: c.10338+4T>C on transcript NM_020821.3 (MANE Select); 4 bases into the intron after coding-DNA position 10338, T replaced by C.
Molecular consequence: intron variant.
Genome position (GRCh38, 1-based): chr15:61,875,728, A>G on the plus strand (T>C on the coding strand, the complement: VPS13C is on the minus strand). VCF-style: chr15-61875728-A-G. GRCh37 (hg19) VCF-style: chr15-62167927-A-G.
Other names: c.10209+4T>C (NM_017684.5, NM_018080.4); c.10338+4T>C (NM_001018088.3).
Identifiers: ClinVar variation 1486130 (VCV001486130.6), dbSNP rs369557222, ClinGen allele CA7594360.
Genomic context (GRCh38, chr15:61,875,728, plus strand): 5'-GTTATTAAAAAATAGACCATCCATTTTTCTGTACCTATCCTTAGAACAAATAAGAGGTCA[A>G]TACCTGGAAGGGTTCATAGAATAAAGCTTCAACTCCTTCAGACAGACCTCTAATTAATCC-3'

ClinVar aggregate classification (germline): Uncertain significance (1 of 4 stars; one submission).

Allele frequency attached by ClinVar (database versions not stated): TOPMed 0.00003; ExAC 0.00002; gnomAD exomes 0.00002 and 0.00005; gnomAD 0.00006; ESP Exome Variant Server 0.00015; 1000 Genomes Project 30x 0.00016; 1000 Genomes Project 0.00020.
gnomAD v4.1: 81 of 1,604,748 alleles (0.005%); highest among the groups gnomAD compares: Non-Finnish European, 0.0065%; no homozygotes.

Submission:

Labcorp Genetics (formerly Invitae), Labcorp
Classification: Uncertain significance. Last evaluated: 2021-12-01. Review status: criteria provided, single submitter. Criteria: Invitae Variant Classification Sherloc (09022015). Collection method: clinical testing. Allele origin: germline.
Comment: Variants that disrupt the consensus splice site are a relatively common cause of aberrant splicing (PMID: 17576681, 9536098). Algorithms developed to predict the effect of sequence changes on RNA splicing suggest that this variant is not likely to affect RNA splicing. This variant has not been reported in the literature in individuals affected with VPS13C-related conditions. This variant is present in population databases (rs369557222, gnomAD 0.008%). This sequence change falls in intron 76 of the VPS13C gene. It does not directly change the encoded amino acid sequence of the VPS13C protein. It affects a nucleotide within the consensus splice site. In summary, the available evidence is currently insufficient to determine the role of this variant in disease. Therefore, it has been classified as a Variant of Uncertain Significance.

Literature cited by the submitters: PubMed 17576681; PubMed 9536098.